The following is an entry in ClinVar:

ClinVar aggregate classification (germline): Uncertain significance (1 of 4 stars; one submission).

gnomAD v4.1: 20 of 1,613,736 alleles (0.0012%); highest among the groups gnomAD compares: African/African-American, 0.004%; no homozygotes.

Submission:

Women's Health and Genetics/Laboratory Corporation of America, LabCorp
Classification: Uncertain significance. Last evaluated: 2026-05-29. Review status: criteria provided, single submitter. Criteria: LabCorp Variant Classification Summary - May 2015. Collection method: clinical testing. Allele origin: germline.
Comment: Variant summary: TNXB c.6502G>A (p.Glu2168Lys) results in a conservative amino acid change in the encoded protein sequence. Algorithms developed to predict the effect of missense changes on protein structure and function all suggest that this variant is likely to be tolerated. The variant allele was found at a frequency of 4e-06 in 247978 control chromosomes. The available data on variant occurrences in the general population are insufficient to allow any conclusion about variant significance. To our knowledge, no occurrence of c.6502G>A in individuals affected with TNXB-related conditions and no experimental evidence demonstrating its impact on protein function have been reported. No submitters have cited clinical-significance assessments for this variant to ClinVar. Based on the evidence outlined above, the variant was classified as uncertain significance.

NM_001365276.2(TNXB):c.6502G>A (p.Glu2168Lys)

Gene: TNXB (tenascin XB; minus strand). Cytogenetic location: 6p21.33.
Variant type: single nucleotide variant.
Coding change: c.6502G>A on transcript NM_001365276.2 (MANE Select); coding-DNA position 6502, G replaced by A.
Protein change: p.Glu2168Lys; replaces glutamic acid 2168 with lysine.
Molecular consequence: missense variant.
Genome position (GRCh38, 1-based): chr6:32,067,703, C>T on the plus strand (G>A on the coding strand, the complement: TNXB is on the minus strand). VCF-style: chr6-32067703-C-T. GRCh37 (hg19) VCF-style: chr6-32035480-C-T.
Other names: c.7243G>A, p.Glu2415Lys (NM_001428335.1); c.6502G>A, p.Glu2168Lys (NM_019105.8); short protein forms E2168K, E2415K.
Identifiers: ClinVar variation 4853048 (VCV004853048.1).